The following is an entry in ClinVar:

ClinVar aggregate classification (germline): Uncertain significance (1 of 4 stars; one submission).

Allele frequency attached by ClinVar (database versions not stated): ESP Exome Variant Server 0.00008.
gnomAD v4.1: 22 of 1,576,658 alleles (0.0014%); highest among the groups gnomAD compares: African/African-American, 0.03%; no homozygotes.

Submission:

GeneDx
Classification: Uncertain significance. Last evaluated: 2024-12-10. Review status: criteria provided, single submitter. Criteria: GeneDx Variant Classification Process June 2021. Collection method: clinical testing. Allele origin: germline.
Comment: In silico analysis indicates that this missense variant does not alter protein structure/function; Has not been previously published as pathogenic or benign to our knowledge

NM_144991.3(TSPEAR):c.131C>G (p.Ala44Gly)

Gene: TSPEAR (thrombospondin type laminin G domain and EAR repeats; minus strand). Cytogenetic location: 21q22.3.
Variant type: single nucleotide variant.
Coding change: c.131C>G on transcript NM_144991.3 (MANE Select); coding-DNA position 131, C replaced by G.
Protein change: p.Ala44Gly; replaces alanine 44 with glycine.
Molecular consequence: missense variant. On other transcripts: 5 prime UTR variant (1).
Genome position (GRCh38, 1-based): chr21:44,567,957, G>C on the plus strand (C>G on the coding strand, the complement: TSPEAR is on the minus strand). VCF-style: chr21-44567957-G-C. GRCh37 (hg19) VCF-style: chr21-45987841-G-C.
Other names: c.-74C>G (NM_001272037.2); short protein forms A44G.
Identifiers: ClinVar variation 2501938 (VCV002501938.2), dbSNP rs145231394, ClinGen allele CA10058084.
Genomic context (GRCh38, chr21:44,567,957, plus strand): 5'-GCTACTGAGAGCTGGAGTCCCCGTGCACCGTGAACCTGAACTATCCTGATCCCGCTTGTG[G>C]CGCCATCAGAAGGGACCACTTCCGCCAGGATGTCCAGGGGGCGCAGGTCTGTGGCAAAGA-3'
Protein context (NP_659428.2, residues 34-54): ILAEVVPSDG[Ala44Gly]TSGIRIVQVH